The following is an entry in ClinVar:

NM_000083.3(CLCN1):c.2565del (p.Lys856fs)

Gene: CLCN1 (chloride voltage-gated channel 1; plus strand). Cytogenetic location: 7q34.
Variant type: Deletion.
Coding change: c.2565del on transcript NM_000083.3 (MANE Select); coding-DNA position 2565, one base deleted (G; older notation c.2565delG).
Protein change: p.Lys856fs; shifts the reading frame from lysine 856.
Molecular consequence: frameshift variant. On other transcripts: non-coding transcript variant (1).
Genome position (GRCh38, 1-based): chr7:143,350,624, G deleted; the last of 4 consecutive G bases (chr7:143,350,621-143,350,624); deleting any one gives the same sequence. VCF-style (leftmost placement, unchanged base first): chr7-143350620-TG-T. GRCh37 (hg19) VCF-style: chr7-143047713-TG-T.
Other names: short protein forms K856fs.
Identifiers: ClinVar variation 1974438 (VCV001974438.5), dbSNP rs1448807519, ClinGen allele CA578446159.

ClinVar aggregate classification (germline): Pathogenic (1 of 4 stars; one submission).

Conditions:
Congenital myotonia, autosomal recessive form. Also called: BECKER DISEASE; Becker Generalized Myotonia; myotonia congenita, autosomal recessive. Identifiers: Orphanet 614, MedGen C0751360, MONDO:0009715, OMIM 255700.
Congenital myotonia, autosomal dominant form (THD). Also called: THOMSEN DISEASE; Myotonia congenita autosomal dominant. Identifiers: Orphanet 614, MedGen C2936781, MONDO:0008055, OMIM 160800.

Submission:

Labcorp Genetics (formerly Invitae), Labcorp
Classification: Pathogenic for Congenital myotonia, autosomal recessive form; Congenital myotonia, autosomal dominant form. Last evaluated: 2025-02-19. Review status: criteria provided, single submitter. Criteria: Invitae Variant Classification Sherloc (09022015). Collection method: clinical testing. Allele origin: germline.
Comment: This sequence change creates a premature translational stop signal (p.Lys856Serfs*67) in the CLCN1 gene. While this is not anticipated to result in nonsense mediated decay, it is expected to disrupt the last 133 amino acid(s) of the CLCN1 protein. This variant is present in population databases (no rsID available, gnomAD 0.003%). This variant has not been reported in the literature in individuals affected with CLCN1-related conditions. ClinVar contains an entry for this variant (Variation ID: 1974438). This variant disrupts a region of the CLCN1 protein in which other variant(s) (p.Gly945Argfs*39) have been determined to be pathogenic (PMID: 18337100; internal data). This suggests that this is a clinically significant region of the protein, and that variants that disrupt it are likely to be disease-causing. For these reasons, this variant has been classified as Pathogenic.

Literature cited by the submitters: PubMed 18337100.